The following is an entry in ClinVar:

ClinVar aggregate classification (germline): Likely benign. Review status: criteria provided, single submitter (1 of 4 stars). 2 submissions from 2 submitters: Likely benign (1). 1 of the submissions does not count toward it. Last evaluated 2024-11-09.

Conditions:
CCDC88C-related disorder. Also called: CCDC88C-Related Disorders; CCDC88C-related condition.

Allele frequency attached by ClinVar (database versions not stated): ExAC 0.00001; gnomAD exomes 0.00001; gnomAD 0.00002; TOPMed 0.00004.
gnomAD v4.1: 17 of 1,611,626 alleles (0.0011%); highest among the groups gnomAD compares: Admixed American, 0.01%; no homozygotes.

Submissions (2):

Labcorp Genetics (formerly Invitae), Labcorp
Classification: Likely benign. Last evaluated: 2024-11-09. Review status: criteria provided, single submitter. Criteria: Invitae Variant Classification Sherloc (09022015). Collection method: clinical testing. Allele origin: germline.

PreventionGenetics, part of Exact Sciences
Classification: Likely benign for CCDC88C-related condition. Last evaluated: 2019-08-20. Review status: no assertion criteria provided. Collection method: clinical testing. Allele origin: germline. Not counted in ClinVar's aggregate classification.
Comment: This variant is classified as likely benign based on ACMG/AMP sequence variant interpretation guidelines (Richards et al. 2015 PMID: 25741868, with internal and published modifications).

NM_001080414.4(CCDC88C):c.3867G>A (p.Ala1289=)

Gene: CCDC88C (coiled-coil and HOOK domain protein 88C; minus strand). Cytogenetic location: 14q32.11.
Variant type: single nucleotide variant.
Coding change: c.3867G>A on transcript NM_001080414.4 (MANE Select); coding-DNA position 3867, G replaced by A.
Protein change: p.Ala1289=; no amino-acid change (alanine 1289 retained).
Molecular consequence: synonymous variant.
Genome position (GRCh38, 1-based): chr14:91,297,404, C>T on the plus strand (G>A on the coding strand, the complement: CCDC88C is on the minus strand). VCF-style: chr14-91297404-C-T. GRCh37 (hg19) VCF-style: chr14-91763748-C-T.
Other names: c.3867G>A (NM_001080414.3).
Identifiers: ClinVar variation 2981770 (VCV002981770.5), dbSNP rs762683779, ClinGen allele CA7309196.
Genomic context (GRCh38, chr14:91,297,404, plus strand): 5'-GGTCTGGTGCTGCTCCTTCAGCTCGTCGAAGCGGGCCTGCCAGCGGTTGAGCTCCAGCTG[C>T]GCGTTGTTCAGTGAGGTTTTCAGCTCCTTGGTGTGGGCGTGCAGCTCCTCGTACTCCCCC-3'
Protein context (NP_001073883.2, residues 1279-1299): TKELKTSLNN[Ala1289=]QLELNRWQAR